The following is an entry in ClinVar:

ClinVar aggregate classification (germline): Likely benign. Review status: criteria provided, multiple submitters, no conflicts (2 of 4 stars). 3 submissions from 3 submitters: Likely benign (3). Last evaluated 2025-07-29.

Conditions:
Zellweger spectrum disorders (ZS). Also called: Zellweger Spectrum Disorder; Zellweger Spectrum; Zellweger Spectrum Disorder (ZSD); Zellweger syndrome. Identifiers: Orphanet 912, MedGen C0043459, MONDO:0019609.
PEX1-related disorder. Also called: PEX1-related condition.

Allele frequency attached by ClinVar (database versions not stated): gnomAD 0.00003; TOPMed 0.00003; ExAC 0.00005; ESP Exome Variant Server 0.00008.
gnomAD v4.1: 51 of 1,283,804 alleles (0.004%); highest among the groups gnomAD compares: Non-Finnish European, 0.0054%; no homozygotes.

Submissions (3):

Labcorp Genetics (formerly Invitae), Labcorp
Classification: Likely benign for Zellweger spectrum disorders. Last evaluated: 2025-07-29. Review status: criteria provided, single submitter. Criteria: Invitae Variant Classification Sherloc (09022015). Collection method: clinical testing. Allele origin: germline.

PreventionGenetics, part of Exact Sciences
Classification: Likely benign for PEX1-related condition. Last evaluated: 2025-03-31. Review status: criteria provided, single submitter. Criteria: ACMG Guidelines, 2015. Collection method: clinical testing. Allele origin: germline.
Comment: This variant is classified as likely benign based on ACMG/AMP sequence variant interpretation guidelines (Richards et al. 2015 PMID: 25741868, with internal and published modifications).

Blueprint Genetics
Classification: Likely benign. Last evaluated: 2023-01-17. Review status: criteria provided, single submitter. Criteria: ACMG Guidelines, 2015. Collection method: clinical testing. Allele origin: germline.

NM_000466.3(PEX1):c.1587+7G>A

Gene: PEX1 (peroxisomal biogenesis factor 1; minus strand). Cytogenetic location: 7q21.2.
Variant type: single nucleotide variant.
Coding change: c.1587+7G>A on transcript NM_000466.3 (MANE Select); 7 bases into the intron after coding-DNA position 1587, G replaced by A.
Molecular consequence: intron variant.
Genome position (GRCh38, 1-based): chr7:92,510,937, C>T on the plus strand (G>A on the coding strand, the complement: PEX1 is on the minus strand). VCF-style: chr7-92510937-C-T. GRCh37 (hg19) VCF-style: chr7-92140251-C-T.
Other names: c.1587+7G>A (NM_001282677.2); c.963+7G>A (NM_001282678.2).
Identifiers: ClinVar variation 760155 (VCV000760155.12), dbSNP rs371765274, ClinGen allele CA4341369.
Genomic context (GRCh38, chr7:92,510,937, plus strand): 5'-TCATACTTTATTATCAATCATATGTAACAAATAGTATTTTATTAAATATTCAATAACATG[C>T]TATTACTTGTATTGTAGTCTTCTGCAGCAAATTGGGACTCAACAGAAAAATATTTTTATC-3'